The following is an entry in ClinVar:

ClinVar aggregate classification (germline): Uncertain significance (1 of 4 stars; one submission).

Conditions:
Cardiovascular phenotype. Identifiers: MedGen CN230736.

Allele frequency attached by ClinVar (database versions not stated): gnomAD 0.00002; TOPMed 0.00003.
gnomAD v4.1: 34 of 1,612,454 alleles (0.0021%); highest among the groups gnomAD compares: Middle Eastern, 0.018%; no homozygotes.

Submission:

Ambry Genetics
Classification: Uncertain significance for Cardiovascular phenotype. Last evaluated: 2024-02-01. Review status: criteria provided, single submitter. Criteria: Ambry Variant Classification Scheme 2023. Collection method: clinical testing. Allele origin: germline.
Comment: The p.S3179L variant (also known as c.9536C>T), located in coding exon 27 of the TNXB gene, results from a C to T substitution at nucleotide position 9536. The serine at codon 3179 is replaced by leucine, an amino acid with dissimilar properties. This amino acid position is conserved. In addition, the in silico prediction for this alteration is inconclusive. Since supporting evidence is limited at this time, the clinical significance of this alteration remains unclear.

NM_001365276.2(TNXB):c.9542C>T (p.Ser3181Leu)

Gene: TNXB (tenascin XB; minus strand). Cytogenetic location: 6p21.33.
Variant type: single nucleotide variant.
Coding change: c.9542C>T on transcript NM_001365276.2 (MANE Select); coding-DNA position 9542, C replaced by T.
Protein change: p.Ser3181Leu; replaces serine 3181 with leucine.
Molecular consequence: missense variant.
Genome position (GRCh38, 1-based): chr6:32,049,485, G>A on the plus strand (C>T on the coding strand, the complement: TNXB is on the minus strand). VCF-style: chr6-32049485-G-A. GRCh37 (hg19) VCF-style: chr6-32017262-G-A.
Other names: c.9536C>T, p.Ser3179Leu (NM_019105.8); short protein forms S3179L, S3181L.
Identifiers: ClinVar variation 1767296 (VCV001767296.2), dbSNP rs756035213, ClinGen allele CA3733490.